The following is an entry in ClinVar:

NM_206933.4(USH2A):c.9857T>C (p.Leu3286Pro)

Gene: USH2A (usherin; minus strand). Cytogenetic location: 1q41.
Variant type: single nucleotide variant.
Coding change: c.9857T>C on transcript NM_206933.4 (MANE Select); coding-DNA position 9857, T replaced by C.
Protein change: p.Leu3286Pro; replaces leucine 3286 with proline.
Molecular consequence: missense variant.
Genome position (GRCh38, 1-based): chr1:215,799,008, A>G on the plus strand (T>C on the coding strand, the complement: USH2A is on the minus strand). VCF-style: chr1-215799008-A-G. GRCh37 (hg19) VCF-style: chr1-215972350-A-G.
Other names: short protein forms L3286P.
Identifiers: ClinVar variation 1495202 (VCV001495202.6), dbSNP rs2102778644, ClinGen allele CA344849114.
Genomic context (GRCh38, chr1:215,799,008, plus strand): 5'-CACTCTAAATCGTTGCTCACAATCTGTCTGCCACAGCACTTCTGGCCATGGCCATCATGA[A>G]GCCTCCCAGCACAGCAAATCTGGTTTCCTGAGGTGGAGTACGGCATTCTGCCACAGCAGG-3'
Protein context (NP_996816.3, residues 3276-3296): SGNQICCAGR[Leu3286Pro]HDGHGQKCCG

ClinVar aggregate classification (germline): Uncertain significance (1 of 4 stars; one submission).

Submission:

Labcorp Genetics (formerly Invitae), Labcorp
Classification: Uncertain significance. Last evaluated: 2021-08-02. Review status: criteria provided, single submitter. Criteria: Invitae Variant Classification Sherloc (09022015). Collection method: clinical testing. Allele origin: germline.
Comment: In summary, the available evidence is currently insufficient to determine the role of this variant in disease. Therefore, it has been classified as a Variant of Uncertain Significance. Algorithms developed to predict the effect of missense changes on protein structure and function are either unavailable or do not agree on the potential impact of this missense change (SIFT: "Deleterious"; PolyPhen-2: "Probably Damaging"; Align-GVGD: "Class C0"). This missense change has been observed in individual(s) with retinitis pigmentosa (Invitae). This variant is not present in population databases (ExAC no frequency). This sequence change replaces leucine with proline at codon 3286 of the USH2A protein (p.Leu3286Pro). The leucine residue is highly conserved and there is a moderate physicochemical difference between leucine and proline.